The following is an entry in ClinVar:

NM_020738.4(KIDINS220):c.2126G>C (p.Arg709Pro)

Gene: KIDINS220 (kinase D interacting substrate 220; minus strand). Cytogenetic location: 2p25.1.
Variant type: single nucleotide variant.
Coding change: c.2126G>C on transcript NM_020738.4 (MANE Select); coding-DNA position 2126, G replaced by C.
Protein change: p.Arg709Pro; replaces arginine 709 with proline.
Molecular consequence: missense variant. On other transcripts: non-coding transcript variant (2).
Genome position (GRCh38, 1-based): chr2:8,785,844, C>G on the plus strand (G>C on the coding strand, the complement: KIDINS220 is on the minus strand). VCF-style: chr2-8785844-C-G. GRCh37 (hg19) VCF-style: chr2-8925974-C-G.
Other names: c.2129G>C, p.Arg710Pro (NM_001348729.2, NM_001348731.2, NM_001348734.2 and 3 more transcripts); c.2126G>C, p.Arg709Pro (NM_001348732.2, NM_001348735.2, NM_001348738.2 and 3 more transcripts); c.2000G>C, p.Arg667Pro (NM_001348736.2); short protein forms R709P, R710P, R667P.
Identifiers: ClinVar variation 2004863 (VCV002004863.4), dbSNP rs562912294, ClinGen allele CA345763494.

ClinVar aggregate classification (germline): Uncertain significance (1 of 4 stars; one submission).

Submission:

Labcorp Genetics (formerly Invitae), Labcorp
Classification: Uncertain significance. Last evaluated: 2022-06-11. Review status: criteria provided, single submitter. Criteria: Invitae Variant Classification Sherloc (09022015). Collection method: clinical testing. Allele origin: germline.
Comment: In summary, the available evidence is currently insufficient to determine the role of this variant in disease. Therefore, it has been classified as a Variant of Uncertain Significance. Algorithms developed to predict the effect of missense changes on protein structure and function (SIFT, PolyPhen-2, Align-GVGD) all suggest that this variant is likely to be tolerated. This variant has not been reported in the literature in individuals affected with KIDINS220-related conditions. This variant is not present in population databases (gnomAD no frequency). This sequence change replaces arginine, which is basic and polar, with proline, which is neutral and non-polar, at codon 709 of the KIDINS220 protein (p.Arg709Pro).